The following is an entry in ClinVar:

NM_018344.6(SLC29A3):c.1368T>G (p.Tyr456Ter)

Gene: SLC29A3 (solute carrier family 29 member 3; plus strand). Cytogenetic location: 10q22.1.
Variant type: single nucleotide variant.
Coding change: c.1368T>G on transcript NM_018344.6 (MANE Select); coding-DNA position 1368, T replaced by G.
Protein change: p.Tyr456Ter; replaces tyrosine 456 with a stop codon.
Molecular consequence: nonsense. On other transcripts: 3 prime UTR variant (1), non-coding transcript variant (2).
Genome position (GRCh38, 1-based): chr10:71,362,548, T>G. VCF-style: chr10-71362548-T-G. GRCh37 (hg19) VCF-style: chr10-73122305-T-G.
Other names: c.*597T>G (NM_001174098.2); c.1134T>G, p.Tyr378Ter (NM_001363518.2); short protein forms Y456*, Y378*.
Identifiers: ClinVar variation 1372294 (VCV001372294.6), dbSNP rs2131852395, ClinGen allele CA377117626.
Genomic context (GRCh38, chr10:71,362,548, plus strand): 5'-CGGGCCTAAGATTGTGCCCAGGGAGCTGGCTGAGGCCACGGGAGTGGTGATGTCCTTTTA[T>G]GTGTGCTTGGGCTTAACACTGGGCTCAGCCTGCTCTACCCTCCTGGTGCACCTCATCTAG-3'

ClinVar aggregate classification (germline): Uncertain significance (1 of 4 stars; one submission).

Conditions:
H syndrome. Also called: Pigmented hypertrichosis and insulin-dependent diabetes mellitus; Histiocytosis with joint contractures and sensorineural deafness; HISTIOCYTOSIS AND LYMPHADENOPATHY WITH OR WITHOUT CUTANEOUS, CARDIAC, AND/OR ENDOCRINE FEATURES, JOINT CONTRACTURES, AND/OR DEAFNESS; HYPERPIGMENTATION, CUTANEOUS, WITH HYPERTRICHOSIS, HEPATOSPLENOMEGALY, HEART ANOMALIES, AND HYPOGONADISM WITH OR WITHOUT HEARING LOSS; PIGMENTED HYPERTRICHOSIS WITH INSULIN-DEPENDENT DIABETES MELLITUS; ROSAI-DORFMAN DISEASE, FAMILIAL. Identifiers: Orphanet 168569, MedGen C1864445, MONDO:0011273, OMIM 602782.

Submission:

Labcorp Genetics (formerly Invitae), Labcorp
Classification: Uncertain significance for H syndrome. Last evaluated: 2021-08-12. Review status: criteria provided, single submitter. Criteria: Invitae Variant Classification Sherloc (09022015). Collection method: clinical testing. Allele origin: germline.
Comment: This sequence change creates a premature translational stop signal (p.Tyr456*) in the SLC29A3 gene. While this is not anticipated to result in nonsense mediated decay, it is expected to disrupt the last 20 amino acid(s) of the SLC29A3 protein. This variant is not present in population databases (ExAC no frequency). This variant has not been reported in the literature in individuals affected with SLC29A3-related conditions. Algorithms developed to predict the effect of sequence changes on RNA splicing suggest that this variant may create or strengthen a splice site. In summary, the available evidence is currently insufficient to determine the role of this variant in disease. Therefore, it has been classified as a Variant of Uncertain Significance.